The following is an entry in ClinVar:

NM_001127222.2(CACNA1A):c.692T>G (p.Leu231Arg)

Gene: CACNA1A (calcium voltage-gated channel subunit alpha1 A; minus strand). Cytogenetic location: 19p13.13.
Variant type: single nucleotide variant.
Coding change: c.692T>G on transcript NM_001127222.2 (MANE Select); coding-DNA position 692, T replaced by G.
Protein change: p.Leu231Arg; replaces leucine 231 with arginine.
Molecular consequence: missense variant.
Genome position (GRCh38, 1-based): chr19:13,365,409, A>C on the plus strand (T>G on the coding strand, the complement: CACNA1A is on the minus strand). VCF-style: chr19-13365409-A-C. GRCh37 (hg19) VCF-style: chr19-13476223-A-C.
Other names: c.692T>G (NM_001127221.1); c.692T>G, p.Leu231Arg (NM_023035.3, NM_000068.4, NM_001127221.2 and 1 more transcripts); short protein forms L231R.
Identifiers: ClinVar variation 808483 (VCV000808483.47), dbSNP rs1599292506, ClinGen allele CA404348545.

ClinVar aggregate classification (germline): Conflicting classifications of pathogenicity. Review status: criteria provided, conflicting classifications (1 of 4 stars). 4 submissions from 4 submitters: Pathogenic (2); Uncertain significance (2). Last evaluated 2025-05-07.

Conditions:
Episodic ataxia type 2 (EA2). Also called: ATAXIA, EPISODIC, WITH NYSTAGMUS; ATAXIA, FAMILIAL PAROXYSMAL; CEREBELLAR ATAXIA, PAROXYSMAL, ACETAZOLAMIDE-RESPONSIVE; CEREBELLOPATHY, HEREDITARY PAROXYSMAL; EPISODIC ATAXIA, NYSTAGMUS-ASSOCIATED; ACETAZOLAMIDE-RESPONSIVE HEREDITARY PAROXYSMAL CEREBELLAR ATAXIA. Identifiers: Orphanet 97, MedGen C1720416, MONDO:0007163, OMIM 108500.
Developmental and epileptic encephalopathy, 42 (DEE42A). Also called: Epileptic encephalopathy, early infantile, 42; DEVELOPMENTAL AND EPILEPTIC ENCEPHALOPATHY 42A; EPILEPTIC ENCEPHALOPATHY, EARLY INFANTILE, 42A. Identifiers: MedGen C4310716, MONDO:0014917, OMIM 617106.
Migraine, familial hemiplegic, 1. Also called: MIGRAINE, FAMILIAL HEMIPLEGIC 1, WITH PROGRESSIVE CEREBELLAR ATAXIA. Identifiers: Orphanet 569, MedGen C1832884, MONDO:0020756, OMIM 141500, MONDO:0007714.

Submissions (4):

GeneDx
Classification: Pathogenic. Last evaluated: 2025-05-07. Review status: criteria provided, single submitter. Criteria: GeneDx Variant Classification Process June 2021. Collection method: clinical testing. Allele origin: germline. Affected: yes.
Comment: Not observed at significant frequency in large population cohorts (gnomAD); In silico analysis supports that this missense variant has a deleterious effect on protein structure/function; This variant is associated with the following publications: (PMID: 33278787, 38927725)

Labcorp Genetics (formerly Invitae), Labcorp
Classification: Pathogenic for Developmental and epileptic encephalopathy, 42; Episodic ataxia type 2. Last evaluated: 2024-01-12. Review status: criteria provided, single submitter. Criteria: Invitae Variant Classification Sherloc (09022015). Collection method: clinical testing. Allele origin: germline.
Comment: This sequence change replaces leucine, which is neutral and non-polar, with arginine, which is basic and polar, at codon 231 of the CACNA1A protein (p.Leu231Arg). This variant is not present in population databases (gnomAD no frequency). This missense change has been observed in individual(s) with status epilepticus (PMID: 33278787). In at least one individual the variant was observed to be de novo. ClinVar contains an entry for this variant (Variation ID: 808483). Advanced modeling of protein sequence and biophysical properties (such as structural, functional, and spatial information, amino acid conservation, physicochemical variation, residue mobility, and thermodynamic stability) performed at Invitae indicates that this missense variant is expected to disrupt CACNA1A protein function with a positive predictive value of 95%. For these reasons, this variant has been classified as Pathogenic.

Institute of Human Genetics, University of Leipzig Medical Center
Classification: Uncertain significance for Migraine, familial hemiplegic, 1. Last evaluated: 2021-01-12. Review status: criteria provided, single submitter. Criteria: ACMG Guidelines, 2015. Collection method: clinical testing. Allele origin: unknown. Affected: yes.
Comment: Despite strong evidence for its pathogenicity, this variant has to be classified as of unknown significance, according to the ACMG-criteria (Richards et al., 2015)

CeGaT Center for Human Genetics Tuebingen
Classification: Uncertain significance. Last evaluated: 2016-05-01. Review status: criteria provided, single submitter. Criteria: CeGaT Center For Human Genetics Tuebingen Variant Classification Criteria Version 2. Collection method: clinical testing. Allele origin: germline. Affected: yes. Observed: 1 variant allele.

Literature cited by the submitters: PubMed 33278787 (cited by Labcorp Genetics (formerly Invitae), Labcorp).